The following is an entry in ClinVar:

NM_004360.5(CDH1):c.74C>T (p.Pro25Leu)

Gene: CDH1 (cadherin 1; plus strand). Cytogenetic location: 16q22.1.
Variant type: single nucleotide variant.
Coding change: c.74C>T on transcript NM_004360.5 (MANE Select); coding-DNA position 74, C replaced by T.
Protein change: p.Pro25Leu; replaces proline 25 with leucine.
Molecular consequence: missense variant. On other transcripts: 5 prime UTR variant (2).
Genome position (GRCh38, 1-based): chr16:68,738,322, C>T. VCF-style: chr16-68738322-C-T. GRCh37 (hg19) VCF-style: chr16-68772225-C-T.
Other names: c.74C>T, p.Pro25Leu (NM_001317184.2); c.-1542C>T (NM_001317185.2); c.-1746C>T (NM_001317186.2); short protein forms P25L.
Identifiers: ClinVar variation 827086 (VCV000827086.15), dbSNP rs1485238301, ClinGen allele CA396451753.

ClinVar aggregate classification (germline): Conflicting classifications of pathogenicity. Review status: criteria provided, conflicting classifications (1 of 4 stars). 2 submissions from 2 submitters: Uncertain significance (1); Likely benign (1). Last evaluated 2026-06-22.

Conditions:
Hereditary cancer-predisposing syndrome. Also called: Tumor predisposition; Hereditary neoplastic syndrome; Neoplastic Syndromes, Hereditary; Hereditary Cancer Syndrome. Identifiers: Orphanet 140162, MedGen C0027672, MeSH D009386, MONDO:0015356.
Hereditary diffuse gastric adenocarcinoma (HDGC). Also called: DIFFUSE GASTRIC AND LOBULAR BREAST CANCER SYNDROME. Identifiers: Orphanet 26106, MedGen C1708349, MONDO:0007648, OMIM 137215.

Allele frequency attached by ClinVar (database versions not stated): gnomAD exomes below 0.00001.
gnomAD v4.1: 1 of 1,551,292 alleles (0.000064%); highest among the groups gnomAD compares: South Asian, 0.0012%; no homozygotes.

Submissions (2):

Ambry Genetics
Classification: Likely benign for Hereditary cancer-predisposing syndrome. Last evaluated: 2026-06-22. Review status: criteria provided, single submitter. Criteria: Ambry Variant Classification Scheme 2023. Collection method: clinical testing. Allele origin: germline.

Labcorp Genetics (formerly Invitae), Labcorp
Classification: Uncertain significance for Hereditary diffuse gastric adenocarcinoma. Last evaluated: 2019-11-12. Review status: criteria provided, single submitter. Criteria: Invitae Variant Classification Sherloc (09022015). Collection method: clinical testing. Allele origin: germline.
Comment: In summary, the available evidence is currently insufficient to determine the role of this variant in disease. Therefore, it has been classified as a Variant of Uncertain Significance. Algorithms developed to predict the effect of missense changes on protein structure and function (SIFT, PolyPhen-2, Align-GVGD) all suggest that this variant is likely to be tolerated, but these predictions have not been confirmed by published functional studies and their clinical significance is uncertain. This variant has not been reported in the literature in individuals with CDH1-related conditions. This variant is not present in population databases (ExAC no frequency). This sequence change replaces proline with leucine at codon 25 of the CDH1 protein (p.Pro25Leu). The proline residue is weakly conserved and there is a moderate physicochemical difference between proline and leucine.